The following is an entry in ClinVar:

ClinVar aggregate classification (germline): Conflicting classifications of pathogenicity. Review status: criteria provided, conflicting classifications (1 of 4 stars). 2 submissions from 2 submitters: Uncertain significance (1); Likely benign (1). Last evaluated 2023-09-07.

Conditions:
Hereditary cancer-predisposing syndrome. Also called: Neoplastic Syndromes, Hereditary; Tumor predisposition; Hereditary Cancer Syndrome; Hereditary neoplastic syndrome. Identifiers: Orphanet 140162, MedGen C0027672, MeSH D009386, MONDO:0015356.

Allele frequency attached by ClinVar (database versions not stated): gnomAD 0.00001.
gnomAD v4.1: 1 of 1,605,420 alleles (0.000062%); no homozygotes.

Submissions (2):

Ambry Genetics
Classification: Uncertain significance for Hereditary cancer-predisposing syndrome. Last evaluated: 2023-09-07. Review status: criteria provided, single submitter. Criteria: Ambry Variant Classification Scheme 2023. Collection method: clinical testing. Allele origin: germline.
Comment: The p.F274L variant (also known as c.820T>C), located in coding exon 9 of the BRCA2 gene, results from a T to C substitution at nucleotide position 820. The phenylalanine at codon 274 is replaced by leucine, an amino acid with highly similar properties. This amino acid position is well conserved in available vertebrate species. In addition, this alteration is predicted to be tolerated by in silico analysis. Since supporting evidence is limited at this time, the clinical significance of this alteration remains unclear.

University of Washington Department of Laboratory Medicine, University of Washington
Classification: Likely benign for Hereditary cancer-predisposing syndrome. Last evaluated: 2023-03-23. Review status: criteria provided, single submitter. Criteria: Dines et al. (Genet Med. 2020). Collection method: curation. Allele origin: germline.
Comment: Missense variant in a coldspot region where missense variants are very unlikely to be pathogenic (PMID:31911673).

BRCA2 exon 10 coldspot. Reclassification based on statistical prior probability.

NM_000059.4(BRCA2):c.820T>C (p.Phe274Leu)

Gene: BRCA2 (BRCA2 DNA repair associated; plus strand). Cytogenetic location: 13q13.1.
Variant type: single nucleotide variant.
Coding change: c.820T>C on transcript NM_000059.4 (MANE Select); coding-DNA position 820, T replaced by C.
Protein change: p.Phe274Leu; replaces phenylalanine 274 with leucine.
Molecular consequence: missense variant.
Genome position (GRCh38, 1-based): chr13:32,332,298, T>C. VCF-style: chr13-32332298-T-C. GRCh37 (hg19) VCF-style: chr13-32906435-T-C.
Other names: short protein forms F274L.
Identifiers: ClinVar variation 232649 (VCV000232649.8), dbSNP rs876659899, ClinGen allele CA10579473.
Genomic context (GRCh38, chr13:32,332,298, plus strand): 5'-AATATTAATGTGCTTCTGTTTTATACTTTAACAGGATTTGGAAAAACATCAGGGAATTCA[T>C]TTAAAGTAAATAGCTGCAAAGACCACATTGGAAAGTCAATGCCAAATGTCCTAGAAGATG-3'
Protein context (NP_000050.3, residues 264-284): HGFGKTSGNS[Phe274Leu]KVNSCKDHIG